The following is an entry in ClinVar:

NM_000170.3(GLDC):c.2063A>G (p.His688Arg)

Gene: GLDC (glycine decarboxylase; minus strand). Cytogenetic location: 9p24.1.
Variant type: single nucleotide variant.
Coding change: c.2063A>G on transcript NM_000170.3 (MANE Select); coding-DNA position 2063, A replaced by G.
Protein change: p.His688Arg; replaces histidine 688 with arginine.
Molecular consequence: missense variant.
Genome position (GRCh38, 1-based): chr9:6,556,292, T>C on the plus strand (A>G on the coding strand, the complement: GLDC is on the minus strand). VCF-style: chr9-6556292-T-C. GRCh37 (hg19) VCF-style: chr9-6556292-T-C.
Other names: short protein forms H688R.
Identifiers: ClinVar variation 999078 (VCV000999078.12), dbSNP rs759659824, ClinGen allele CA4980400.

ClinVar aggregate classification (germline): Uncertain significance (1 of 4 stars; one submission).

Conditions:
Glycine encephalopathy. Also called: Non-ketotic hyperglycinemia; Nonketotic hyperglycinemia. Identifiers: Orphanet 407, MedGen C0751748, MONDO:0011612, HP:0008288.

Allele frequency attached by ClinVar (database versions not stated): gnomAD exomes below 0.00001; ExAC 0.00001.

Submission:

Labcorp Genetics (formerly Invitae), Labcorp
Classification: Uncertain significance for Glycine encephalopathy. Last evaluated: 2020-01-15. Review status: criteria provided, single submitter. Criteria: Invitae Variant Classification Sherloc (09022015). Collection method: clinical testing. Allele origin: germline.
Comment: In summary, the available evidence is currently insufficient to determine the role of this variant in disease. Therefore, it has been classified as a Variant of Uncertain Significance. Algorithms developed to predict the effect of missense changes on protein structure and function are either unavailable or do not agree on the potential impact of this missense change (SIFT: "Deleterious"; PolyPhen-2: "Possibly Damaging"; Align-GVGD: "Class C0"). This variant has not been reported in the literature in individuals with GLDC-related conditions. This variant is present in population databases (rs759659824, ExAC no frequency). This sequence change replaces histidine with arginine at codon 688 of the GLDC protein (p.His688Arg). The histidine residue is highly conserved and there is a small physicochemical difference between histidine and arginine.